The following is an entry in ClinVar:

ClinVar aggregate classification (germline): Uncertain significance. Review status: criteria provided, multiple submitters, no conflicts (2 of 4 stars). 2 submissions from 2 submitters: Uncertain significance (2). Last evaluated 2022-05-13.

Conditions:
Leber congenital amaurosis 8 (LCA8). Identifiers: Orphanet 65, MedGen C3151202, MONDO:0013453, OMIM 613835.
Retinitis pigmentosa 12 (RP12). Also called: RP WITH OR WITHOUT PPRPE; RP WITH OR WITHOUT PRESERVED PARAARTERIOLE RETINAL PIGMENT EPITHELIUM; RETINITIS PIGMENTOSA WITH OR WITHOUT PARAARTERIOLAR PRESERVATION OF RETINAL PIGMENT EPITHELIUM. Identifiers: Orphanet 791, MedGen C1838647, MONDO:0010818, OMIM 600105.

Allele frequency attached by ClinVar (database versions not stated): gnomAD 0.00001; gnomAD exomes 0.00001; TOPMed 0.00001.
gnomAD v4.1: 13 of 1,612,554 alleles (0.00081%); highest among the groups gnomAD compares: Non-Finnish European, 0.001%; no homozygotes.

Submissions (2):

Labcorp Genetics (formerly Invitae), Labcorp
Classification: Uncertain significance for Leber congenital amaurosis 8; Retinitis pigmentosa 12. Last evaluated: 2022-05-13. Review status: criteria provided, single submitter. Criteria: Invitae Variant Classification Sherloc (09022015). Collection method: clinical testing. Allele origin: germline.
Comment: This sequence change falls in intron 7 of the CRB1 gene. It does not directly change the encoded amino acid sequence of the CRB1 protein. It affects a nucleotide within the consensus splice site. This variant is not present in population databases (gnomAD no frequency). This variant has not been reported in the literature in individuals affected with CRB1-related conditions. Variants that disrupt the consensus splice site are a relatively common cause of aberrant splicing (PMID: 17576681, 9536098). Algorithms developed to predict the effect of sequence changes on RNA splicing suggest that this variant is not likely to affect RNA splicing. In summary, the available evidence is currently insufficient to determine the role of this variant in disease. Therefore, it has been classified as a Variant of Uncertain Significance.

Blueprint Genetics
Classification: Uncertain significance. Last evaluated: 2020-05-04. Review status: criteria provided, single submitter. Criteria: ACMG Guidelines, 2015. Collection method: clinical testing. Allele origin: germline.

Literature cited by the submitters: PubMed 17576681 (cited by Labcorp Genetics (formerly Invitae), Labcorp); PubMed 9536098 (cited by Labcorp Genetics (formerly Invitae), Labcorp).

NM_201253.3(CRB1):c.2676+4A>G

Gene: CRB1 (crumbs cell polarity complex component 1; plus strand). Cytogenetic location: 1q31.3.
Variant type: single nucleotide variant.
Coding change: c.2676+4A>G on transcript NM_201253.3 (MANE Select); 4 bases into the intron after coding-DNA position 2676, A replaced by G.
Molecular consequence: intron variant.
Genome position (GRCh38, 1-based): chr1:197,428,005, A>G. VCF-style: chr1-197428005-A-G. GRCh37 (hg19) VCF-style: chr1-197397135-A-G.
Other names: c.2469+4A>G (NM_001257965.2); c.2128+6049A>G (NM_001257966.2); c.2340+4A>G (NM_001193640.2).
Identifiers: ClinVar variation 2166035 (VCV002166035.2), dbSNP rs1485130763, ClinGen allele CA729757894.